The following is an entry in ClinVar:

NM_001194.4(HCN2):c.1001T>A (p.Leu334His)

Genes: HCN2 (hyperpolarization activated cyclic nucleotide gated potassium and sodium channel 2; plus strand), LOC129391015 (MPRA-validated peak3211 silencer; plus strand). Cytogenetic location: 19p13.3.
Variant type: single nucleotide variant.
Coding change: c.1001T>A on transcript NM_001194.4 (MANE Select); coding-DNA position 1001, T replaced by A.
Protein change: p.Leu334His; replaces leucine 334 with histidine.
Molecular consequence: missense variant.
Genome position (GRCh38, 1-based): chr19:603,912, T>A. VCF-style: chr19-603912-T-A. GRCh37 (hg19) VCF-style: chr19-603912-T-A.
Other names: short protein forms L334H.
Identifiers: ClinVar variation 1801945 (VCV001801945.1), dbSNP rs2512449221, ClinGen allele CA402875682.

ClinVar aggregate classification (germline): Uncertain significance (1 of 4 stars; one submission).

Submission:

GeneDx
Classification: Uncertain significance. Last evaluated: 2022-06-03. Review status: criteria provided, single submitter. Criteria: GeneDx Variant Classification Process June 2021. Collection method: clinical testing. Allele origin: germline. Affected: yes.
Comment: Not observed at significant frequency in large population cohorts (gnomAD); In silico analysis supports that this missense variant has a deleterious effect on protein structure/function; Has not been previously published as pathogenic or benign to our knowledge